The following is an entry in ClinVar:

NM_002474.3(MYH11):c.197G>A (p.Gly66Asp)

Gene: MYH11 (myosin heavy chain 11; minus strand). Cytogenetic location: 16p13.11.
Variant type: single nucleotide variant.
Coding change: c.197G>A on transcript NM_002474.3 (MANE Select); coding-DNA position 197, G replaced by A.
Protein change: p.Gly66Asp; replaces glycine 66 with aspartic acid.
Molecular consequence: missense variant.
Genome position (GRCh38, 1-based): chr16:15,838,056, C>T on the plus strand (G>A on the coding strand, the complement: MYH11 is on the minus strand). VCF-style: chr16-15838056-C-T. GRCh37 (hg19) VCF-style: chr16-15931913-C-T.
Other names: c.197G>A, p.Gly66Asp (NM_001040113.2, NM_001040114.2, NM_022844.3); short protein forms G66D.
Identifiers: ClinVar variation 3372436 (VCV003372436.1).
Genomic context (GRCh38, chr16:15,838,056, plus strand): 5'-TTGGAGAACTTGGGTGGGTTCATCTTCTGGATGTCATCTTTCCCAACCGTGACCTTCTTG[C>T]CATTCTCCACCAGCTCCACAACCACCTCATCCCCCTTCTCCTCCTTAATGCTGGCTGCCT-3'
Protein context (NP_002465.1, residues 56-76): DEVVVELVEN[Gly66Asp]KKVTVGKDDI

ClinVar aggregate classification (germline): Uncertain significance (1 of 4 stars; one submission).

Submission:

GeneDx
Classification: Uncertain significance. Last evaluated: 2024-04-10. Review status: criteria provided, single submitter. Criteria: GeneDx Variant Classification Process June 2021. Collection method: clinical testing. Allele origin: germline. Affected: yes.
Comment: Has not been previously published as pathogenic or benign to our knowledge; Not observed at significant frequency in large population cohorts (gnomAD); In silico analysis supports that this missense variant has a deleterious effect on protein structure/function